The following is an entry in ClinVar:

ClinVar aggregate classification (germline): Uncertain significance (1 of 4 stars; one submission).

Conditions:
Autosomal recessive limb-girdle muscular dystrophy type 2J (LGMDR10). Also called: Limb-girdle muscular dystrophy, type 2J; MUSCULAR DYSTROPHY, LIMB-GIRDLE, AUTOSOMAL RECESSIVE 10. Identifiers: Orphanet 140922, MedGen C1837342, MONDO:0012127, OMIM 608807.
Dilated cardiomyopathy 1G (CMD1G). Identifiers: Orphanet 154, MedGen C1858763, MONDO:0011400, OMIM 604145.

gnomAD v4.1: 1 of 1,613,986 alleles (0.000062%); no homozygotes.

Submission:

Labcorp Genetics (formerly Invitae), Labcorp
Classification: Uncertain significance for Dilated cardiomyopathy 1G; Autosomal recessive limb-girdle muscular dystrophy type 2J. Last evaluated: 2026-01-05. Review status: criteria provided, single submitter. Criteria: Invitae Variant Classification Sherloc (09022015). Collection method: clinical testing. Allele origin: germline.
Comment: This sequence change replaces aspartic acid, which is acidic and polar, with asparagine, which is neutral and polar, at codon 34725 of the TTN protein (p.Asp34725Asn). This variant is not present in population databases (gnomAD no frequency). This variant has not been reported in the literature in individuals affected with TTN-related conditions. ClinVar contains an entry for this variant (Variation ID: 3761070). Experimental studies and prediction algorithms are not available or were not evaluated, and the functional significance of this variant is currently unknown. This variant is located in the M band of TTN (PMID: 25589632). Non-truncating variants in this region may be relevant for neuromuscular disorders, but have not been definitively shown to cause cardiomyopathy (PMID: 23975875). In summary, the available evidence is currently insufficient to determine the role of this variant in disease. Therefore, it has been classified as a Variant of Uncertain Significance.

Literature cited by the submitters: PubMed 25589632; PubMed 23975875.

NM_001267550.2(TTN):c.104173G>A (p.Asp34725Asn)

Genes: TTN-AS1 (TTN antisense RNA 1; plus strand), TTN (titin; minus strand). Cytogenetic location: 2q31.2.
Variant type: single nucleotide variant.
Coding change: c.104173G>A on transcript NM_001267550.2 (MANE Select); coding-DNA position 104173, G replaced by A.
Protein change: p.Asp34725Asn; replaces aspartic acid 34725 with asparagine.
Molecular consequence: missense variant.
Genome position (GRCh38, 1-based): chr2:178,532,442, C>T on the plus strand (G>A on the coding strand, the complement: TTN is on the minus strand). VCF-style: chr2-178532442-C-T. GRCh37 (hg19) VCF-style: chr2-179397169-C-T.
Other names: c.99250G>A, p.Asp33084Asn (NM_001256850.1); c.76978G>A, p.Asp25660Asn (NM_003319.4); c.96469G>A, p.Asp32157Asn (NM_133378.4); c.77353G>A, p.Asp25785Asn (NM_133432.3); c.77554G>A, p.Asp25852Asn (NM_133437.4); short protein forms D25660N, D25785N, D25852N, D32157N, D33084N, D34725N.
Identifiers: ClinVar variation 3761070 (VCV003761070.2).